The following is an entry in ClinVar:

ClinVar aggregate classification (germline): Uncertain significance. Review status: criteria provided, multiple submitters, no conflicts (2 of 4 stars). 2 submissions from 2 submitters: Uncertain significance (2). Last evaluated 2022-04-08.

Conditions:
Inborn genetic diseases. Identifiers: MedGen C0950123, MeSH D030342.

Allele frequency attached by ClinVar (database versions not stated): ExAC 0.00007; gnomAD 0.00007; ESP Exome Variant Server 0.00008; gnomAD exomes 0.00008 and 0.00011; TOPMed 0.00008.
gnomAD v4.1: 168 of 1,614,028 alleles (0.01%); highest among the groups gnomAD compares: Non-Finnish European, 0.014%; no homozygotes.

Submissions (2):

Ambry Genetics
Classification: Uncertain significance for Inborn genetic diseases. Last evaluated: 2022-04-08. Review status: criteria provided, single submitter. Criteria: Ambry Variant Classification Scheme 2023. Collection method: clinical testing. Allele origin: germline.

Labcorp Genetics (formerly Invitae), Labcorp
Classification: Uncertain significance. Last evaluated: 2021-09-24. Review status: criteria provided, single submitter. Criteria: Invitae Variant Classification Sherloc (09022015). Collection method: clinical testing. Allele origin: germline.
Comment: This sequence change replaces glycine with serine at codon 1497 of the DNAH9 protein (p.Gly1497Ser). The glycine residue is weakly conserved and there is a small physicochemical difference between glycine and serine. This variant is present in population databases (rs373653930, ExAC 0.02%). This variant has not been reported in the literature in individuals with DNAH9-related conditions. Algorithms developed to predict the effect of missense changes on protein structure and function output the following: SIFT: "Tolerated"; PolyPhen-2: "Benign"; Align-GVGD: "Class C0". The serine amino acid residue is found in multiple mammalian species, suggesting that this missense change does not adversely affect protein function. These predictions have not been confirmed by published functional studies and their clinical significance is uncertain. In summary, the available evidence is currently insufficient to determine the role of this variant in disease. Therefore, it has been classified as a Variant of Uncertain Significance.

NM_001372.4(DNAH9):c.4489G>A (p.Gly1497Ser)

Gene: DNAH9 (dynein axonemal heavy chain 9; plus strand). Cytogenetic location: 17p12.
Variant type: single nucleotide variant.
Coding change: c.4489G>A on transcript NM_001372.4 (MANE Select); coding-DNA position 4489, G replaced by A.
Protein change: p.Gly1497Ser; replaces glycine 1497 with serine.
Molecular consequence: missense variant.
Genome position (GRCh38, 1-based): chr17:11,690,311, G>A. VCF-style: chr17-11690311-G-A. GRCh37 (hg19) VCF-style: chr17-11593628-G-A.
Other names: c.4489G>A (NM_001372.3); short protein forms G1497S.
Identifiers: ClinVar variation 1353238 (VCV001353238.6), dbSNP rs373653930, ClinGen allele CA8395680.
Genomic context (GRCh38, chr17:11,690,311, plus strand): 5'-GTTCAACTTCAGAACCTGGTGATGTCCAAGTATGTTGCTTTCTTCTTGGAGGAGGTGTCG[G>A]GCTGGCAGAAGAAGCTGTCCACAGTGGACGCTGTCATCTCTATCTGGTTTGAAGTGCAGC-3'
Protein context (NP_001363.2, residues 1487-1507): YVAFFLEEVS[Gly1497Ser]WQKKLSTVDA